The following is an entry in ClinVar:

NM_001429.4(EP300):c.2548G>T (p.Gly850Trp)

Gene: EP300 (EP300 lysine acetyltransferase; plus strand). Cytogenetic location: 22q13.2.
Variant type: single nucleotide variant.
Coding change: c.2548G>T on transcript NM_001429.4 (MANE Select); coding-DNA position 2548, G replaced by T.
Protein change: p.Gly850Trp; replaces glycine 850 with tryptophan.
Molecular consequence: missense variant.
Genome position (GRCh38, 1-based): chr22:41,149,929, G>T. VCF-style: chr22-41149929-G-T. GRCh37 (hg19) VCF-style: chr22-41545933-G-T.
Other names: c.2470G>T, p.Gly824Trp (NM_001362843.2); short protein forms G824W, G850W.
Identifiers: ClinVar variation 2821738 (VCV002821738.3), dbSNP rs894531031, ClinGen allele CA411691517.

ClinVar aggregate classification (germline): Uncertain significance (1 of 4 stars; one submission).

Conditions:
Rubinstein-Taybi syndrome due to EP300 haploinsufficiency. Also called: EP300-Related Rubinstein-Taybi Syndrome; RUBINSTEIN-TAYBI SYNDROME 2. Identifiers: Orphanet 353284, Orphanet 783, MedGen C3150941, MONDO:0013364, OMIM 613684.

Submission:

Labcorp Genetics (formerly Invitae), Labcorp
Classification: Uncertain significance for Rubinstein-Taybi syndrome due to EP300 haploinsufficiency. Last evaluated: 2022-12-17. Review status: criteria provided, single submitter. Criteria: Invitae Variant Classification Sherloc (09022015). Collection method: clinical testing. Allele origin: germline.
Comment: In summary, the available evidence is currently insufficient to determine the role of this variant in disease. Therefore, it has been classified as a Variant of Uncertain Significance. Advanced modeling of protein sequence and biophysical properties (such as structural, functional, and spatial information, amino acid conservation, physicochemical variation, residue mobility, and thermodynamic stability) performed at Invitae indicates that this missense variant is not expected to disrupt EP300 protein function. This variant has not been reported in the literature in individuals affected with EP300-related conditions. This variant is not present in population databases (gnomAD no frequency). This sequence change replaces glycine, which is neutral and non-polar, with tryptophan, which is neutral and slightly polar, at codon 850 of the EP300 protein (p.Gly850Trp).